The following is an entry in ClinVar:

ClinVar aggregate classification (germline): Uncertain significance. Review status: criteria provided, multiple submitters, no conflicts (2 of 4 stars). 2 submissions from 2 submitters: Uncertain significance (2). Last evaluated 2024-07-07.

Conditions:
DICER1-related tumor predisposition. Also called: DICER1 syndrome; DICER1-related pleuropulmonary blastoma cancer predisposition syndrome. Identifiers: Orphanet 284343, MedGen C3839822, MONDO:0100216.
Hereditary cancer-predisposing syndrome. Also called: Hereditary neoplastic syndrome; Tumor predisposition; Neoplastic Syndromes, Hereditary; Hereditary Cancer Syndrome. Identifiers: Orphanet 140162, MedGen C0027672, MeSH D009386, MONDO:0015356.

gnomAD v4.1: 1 of 1,611,780 alleles (0.000062%); highest among the groups gnomAD compares: South Asian, 0.0011%; no homozygotes.

Submissions (2):

Ambry Genetics
Classification: Uncertain significance for Hereditary cancer-predisposing syndrome. Last evaluated: 2024-07-07. Review status: criteria provided, single submitter. Criteria: Ambry Variant Classification Scheme 2023. Collection method: clinical testing. Allele origin: germline.
Comment: The p.L1443V variant (also known as c.4327C>G), located in coding exon 22 of the DICER1 gene, results from a C to G substitution at nucleotide position 4327. The leucine at codon 1443 is replaced by valine, an amino acid with highly similar properties. This amino acid position is conserved. In addition, the in silico prediction for this alteration is inconclusive. Based on the available evidence, the clinical significance of this variant remains unclear.

Labcorp Genetics (formerly Invitae), Labcorp
Classification: Uncertain significance for DICER1-related tumor predisposition. Last evaluated: 2022-07-14. Review status: criteria provided, single submitter. Criteria: Invitae Variant Classification Sherloc (09022015). Collection method: clinical testing. Allele origin: germline.
Comment: In summary, the available evidence is currently insufficient to determine the role of this variant in disease. Therefore, it has been classified as a Variant of Uncertain Significance. Algorithms developed to predict the effect of missense changes on protein structure and function are either unavailable or do not agree on the potential impact of this missense change (SIFT: "Deleterious"; PolyPhen-2: "Possibly Damaging"; Align-GVGD: "Class C0"). This variant has not been reported in the literature in individuals affected with DICER1-related conditions. This variant is not present in population databases (gnomAD no frequency). This sequence change replaces leucine, which is neutral and non-polar, with valine, which is neutral and non-polar, at codon 1443 of the DICER1 protein (p.Leu1443Val).

NM_177438.3(DICER1):c.4327C>G (p.Leu1443Val)

Gene: DICER1 (dicer 1, ribonuclease III; minus strand). Cytogenetic location: 14q32.13.
Variant type: single nucleotide variant.
Coding change: c.4327C>G on transcript NM_177438.3 (MANE Select); coding-DNA position 4327, C replaced by G.
Protein change: p.Leu1443Val; replaces leucine 1443 with valine.
Molecular consequence: missense variant. On other transcripts: non-coding transcript variant (6).
Genome position (GRCh38, 1-based): chr14:95,096,593, G>C on the plus strand (C>G on the coding strand, the complement: DICER1 is on the minus strand). VCF-style: chr14-95096593-G-C. GRCh37 (hg19) VCF-style: chr14-95562930-G-C.
Other names: c.4327C>G, p.Leu1443Val (NM_001195573.1, NM_001271282.3, NM_001291628.2 and 13 more transcripts); c.4045C>G, p.Leu1349Val (NM_001395686.1); c.3922C>G, p.Leu1308Val (NM_001395687.1, NM_001395688.1, NM_001395689.1 and 2 more transcripts); c.3760C>G, p.Leu1254Val (NM_001395691.1); c.2644C>G, p.Leu882Val (NM_001395697.1); short protein forms L1254V, L1308V, L1349V, L1443V, L882V.
Identifiers: ClinVar variation 1717605 (VCV001717605.7), dbSNP rs1060504978, ClinGen allele CA390869316.